The following is an entry in ClinVar:

ClinVar aggregate classification (germline): Pathogenic (1 of 4 stars; one submission).

Conditions:
Bainbridge-Ropers syndrome. Also called: Severe feeding difficulties-failure to thrive-microcephaly due to ASXL3 deficiency syndrome. Identifiers: Orphanet 352577, MedGen C4750837, MONDO:0014205, OMIM 615485.

Submission:

3billion
Classification: Pathogenic for Bainbridge-Ropers syndrome. Last evaluated: 2025-10-07. Review status: criteria provided, single submitter. Criteria: ACMG Guidelines, 2015. Collection method: clinical testing. Allele origin: germline. Affected: yes.
Comment: The variant is not observed in the gnomAD v4.1.0 dataset. Predicted Consequence/Location: Canonical splice site: predicted to alter splicing and result in a loss or disruption of normal protein function. Multiple pathogenic loss-of-function variants are reported downstream of the variant. The variant has been reported to be associated with ASXL3-related disorder (3billion dataset). Therefore, this variant is classified as Pathogenic according to the recommendation of ACMG/AMP guideline.

NM_030632.3(ASXL3):c.137+1G>A

Gene: ASXL3 (ASXL transcriptional regulator 3; plus strand). Cytogenetic location: 18q12.1.
Variant type: single nucleotide variant.
Coding change: c.137+1G>A on transcript NM_030632.3 (MANE Select); the canonical splice donor site of the intron after coding-DNA position 137, G replaced by A.
Molecular consequence: splice donor variant.
Genome position (GRCh38, 1-based): chr18:33,607,677, G>A. VCF-style: chr18-33607677-G-A. GRCh37 (hg19) VCF-style: chr18-31187641-G-A.
Identifiers: ClinVar variation 4856196 (VCV004856196.1).